The following is an entry in ClinVar:

NM_001142287.2(SEMA4D):c.1965C>T (p.Pro655=)

Genes: SECISBP2 (SECIS binding protein 2; plus strand), SEMA4D (semaphorin 4D; minus strand). Cytogenetic location: 9q22.2.
Variant type: single nucleotide variant.
Coding change: c.1965C>T on transcript NM_001142287.2; coding-DNA position 1965, C replaced by T.
Protein change: p.Pro655=; no amino-acid change (proline 655 retained).
Molecular consequence: synonymous variant. On other transcripts: non-coding transcript variant (6), intron variant (1).
Genome position (GRCh38, 1-based): chr9:89,363,868, G>A on the plus strand (C>T on the coding strand, the complement: SEMA4D is on the minus strand). VCF-style: chr9-89363868-G-A. GRCh37 (hg19) VCF-style: chr9-91978783-G-A.
Other names: c.1965C>T, p.Pro655= (NM_001371198.1, NM_001371199.1, NM_001371200.1 and 1 more transcripts); c.1883-83C>T (NM_001371202.1).
Identifiers: ClinVar variation 3060340 (VCV003060340.2), dbSNP rs45515192, ClinGen allele CA5117958.

ClinVar aggregate classification (germline): Benign (0 of 4 stars; one submission).

Conditions:
SEMA4D-related disorder. Also called: SEMA4D-related condition.

Allele frequency attached by ClinVar (database versions not stated): TOPMed 0.13259; 1000 Genomes Project 30x 0.15006; ESP Exome Variant Server 0.09811; 1000 Genomes Project 0.15276.
gnomAD v4.1: 230,425 of 1,614,018 alleles (14%); highest among the groups gnomAD compares: Admixed American, 40%; 20,110 homozygotes.

Submission:

PreventionGenetics, part of Exact Sciences
Classification: Benign for SEMA4D-related condition. Last evaluated: 2019-10-18. Review status: no assertion criteria provided. Collection method: clinical testing. Allele origin: germline.
Comment: This variant is classified as benign based on ACMG/AMP sequence variant interpretation guidelines (Richards et al. 2015 PMID: 25741868, with internal and published modifications).